The following is an entry in ClinVar:

NM_152383.5(DIS3L2):c.695C>G (p.Ser232Ter)

Gene: DIS3L2 (DIS3 like 3'-5' exoribonuclease 2; plus strand). Cytogenetic location: 2q37.1.
Variant type: single nucleotide variant.
Coding change: c.695C>G on transcript NM_152383.5 (MANE Select); coding-DNA position 695, C replaced by G.
Protein change: p.Ser232Ter; replaces serine 232 with a stop codon.
Molecular consequence: nonsense. On other transcripts: non-coding transcript variant (2).
Genome position (GRCh38, 1-based): chr2:232,130,712, C>G. VCF-style: chr2-232130712-C-G. GRCh37 (hg19) VCF-style: chr2-232995422-C-G.
Other names: c.695C>G, p.Ser232Ter (NM_001257281.2, NM_001257282.2); short protein forms S232*.
Identifiers: ClinVar variation 1070340 (VCV001070340.7), dbSNP rs747734015, ClinGen allele CA351153279.

ClinVar aggregate classification (germline): Pathogenic (1 of 4 stars; one submission).

Conditions:
Perlman syndrome (PRLMNS). Identifiers: Orphanet 2849, MedGen C0796113, MONDO:0009965, OMIM 267000.

Submission:

Labcorp Genetics (formerly Invitae), Labcorp
Classification: Pathogenic for Perlman syndrome. Last evaluated: 2023-06-27. Review status: criteria provided, single submitter. Criteria: Invitae Variant Classification Sherloc (09022015). Collection method: clinical testing. Allele origin: germline.
Comment: For these reasons, this variant has been classified as Pathogenic. ClinVar contains an entry for this variant (Variation ID: 1070340). This variant has not been reported in the literature in individuals affected with DIS3L2-related conditions. This variant is not present in population databases (gnomAD no frequency). This sequence change creates a premature translational stop signal (p.Ser232*) in the DIS3L2 gene. It is expected to result in an absent or disrupted protein product. Loss-of-function variants in DIS3L2 are known to be pathogenic (PMID: 22306653, 28328139).

Literature cited by the submitters: PubMed 22306653; PubMed 28328139.